The following is an entry in ClinVar:

ClinVar aggregate classification (germline): Uncertain significance (1 of 4 stars; one submission).

Conditions:
Angelman syndrome (AS). Also called: HAPPY PUPPET SYNDROME. Identifiers: Orphanet 72, MedGen C0162635, MONDO:0007113, OMIM 105830. Disease mechanism: loss of function. Inheritance: AS is caused by disruption of maternally imprinted UBE3A located within the 15q11.2-q13 Angelman syndrome/Prader-Willi syndrome (AS/PWS) region., imprinting disorder.

Submission:

Neuberg Centre For Genomic Medicine, NCGM
Classification: Uncertain significance for Angelman syndrome. Review status: criteria provided, single submitter. Criteria: ACMG Guidelines, 2015. Collection method: clinical testing. Allele origin: germline. Affected: yes.
Comment: The variant c.864_866dup (p.Ile289dup) in UBE3A gene has not been reported previously as a pathogenic variant nor as a benign variant, to our knowledge. This p.Ile289dup causes duplication of amino acid Isoleucine at postion 289. The p.Ile289dup variant is novel (not in any individuals) in gnomAD Exomes and 1000 Genomes. For these reasons, this variant has been classified as Variant of Uncertain Significance (VUS).

NM_130839.5(UBE3A):c.855_857dup (p.Ile286_Val287insIle)

Genes: SNHG14 (small nucleolar RNA host gene 14; plus strand), UBE3A (ubiquitin protein ligase E3A; minus strand). Cytogenetic location: 15q11.2.
Variant type: Duplication.
Coding change: c.855_857dup on transcript NM_130839.5 (MANE Select); coding-DNA positions 855 to 857, 3 bases duplicated (TAT; older notation c.855_857dupTAT).
Protein change: p.Ile286_Val287insIle.
Molecular consequence: inframe insertion. On other transcripts: non-coding transcript variant (1), intron variant (2).
Genome position (GRCh38, 1-based): chr15:25,371,317-25,371,319, ATA duplicated on the plus strand (TAT on the coding strand, the reverse complement: UBE3A is on the minus strand); duplicating any 3 consecutive bases within chr15:25,371,317-25,371,321 gives the same sequence; the c. name uses the placement nearest the transcript's 3' end. VCF-style (leftmost placement, unchanged base first): chr15-25371316-G-GATA. GRCh37 (hg19) VCF-style: chr15-25616463-G-GATA.
Other names: c.795_797dup, p.Ile266_Val267insIle (NM_001354512.2, NM_001354513.2, NM_001354523.2 and 17 more transcripts); c.855_857dup, p.Ile286_Val287insIle (NM_001354538.2, NM_001354545.2, NM_001354505.1); c.678_680dup, p.Ile227_Val228insIle (NM_001354546.2); c.301+4146_301+4148dup (NM_001354551.2); c.361+4146_361+4148dup (NM_001354550.2); c.864_866dup, p.Ile289_Val290insIle (NM_000462.5).
Identifiers: ClinVar variation 1878604 (VCV001878604.1), dbSNP rs2552191694, ClinGen allele CA2580089136.
Genomic context (GRCh38, chr15:25,371,316, plus strand): 5'-AAATAATGGCAAAGCCATTTCCAGATATTCAGGACTGTGGAGATTTCTATTCTCCATTAC[G>GATA]ATAATGAACAAATTCAGATAATTAGGATCTCGAGAGTATACATTGTGATACGTCAAGTCA-3'